The following is an entry in ClinVar:

ClinVar aggregate classification (germline): Uncertain significance (1 of 4 stars; one submission).

Submission:

Labcorp Genetics (formerly Invitae), Labcorp
Classification: Uncertain significance. Last evaluated: 2019-11-08. Review status: criteria provided, single submitter. Criteria: Invitae Variant Classification Sherloc (09022015). Collection method: clinical testing. Allele origin: germline.
Comment: This variant results in a copy number gain of the genomic region encompassing exons 1-3 of the CDH3 gene, which includes the initiator codon. The 5' end of this event is unknown as it extends beyond the assayed region for this gene and therefore may encompass additional genes. The 3' boundary is likely confined to intron 2 of the CDH3 gene. As the precise location of this event is unknown, it may be in tandem or it may be located elsewhere in the genome. This variant has not been reported in the literature in individuals with CDH3-related conditions. In summary, the available evidence is currently insufficient to determine the role of this variant in disease. Therefore, it has been classified as a Variant of Uncertain Significance.

NC_000016.10:g.(?_68645380)_(68645750_?)dup

Gene: CDH3 (cadherin 3; plus strand). Cytogenetic location: 16q22.1.
Variant type: Duplication.
Identifiers: ClinVar variation 833411 (VCV000833411.2).